The following is an entry in ClinVar:

ClinVar aggregate classification (germline): Uncertain significance (1 of 4 stars; one submission).

Conditions:
Aortic aneurysm, familial thoracic 4 (AAT4). Also called: AORTIC ANEURYSM/AORTIC DISSECTION AND PATENT DUCTUS ARTERIOSUS. Identifiers: MedGen C1851504, MONDO:0007568, OMIM 132900.

Submission:

Labcorp Genetics (formerly Invitae), Labcorp
Classification: Uncertain significance for Aortic aneurysm, familial thoracic 4. Last evaluated: 2022-02-23. Review status: criteria provided, single submitter. Criteria: Invitae Variant Classification Sherloc (09022015). Collection method: clinical testing. Allele origin: germline.
Comment: This variant results in a copy number gain of the genomic region encompassing exon(s) 15-21 of the MYH11 gene. While the exact position of this variant cannot be determined from the data, sub-genic copy number gains are generally in tandem (PMID: 25640679). This variant is predicted to be in-frame, and likely preserves the integrity of the reading frame. In summary, the available evidence is currently insufficient to determine the role of this variant in disease. Therefore, it has been classified as a Variant of Uncertain Significance. Experimental studies and prediction algorithms are not available or were not evaluated, and the functional significance of this variant is currently unknown. This variant has not been reported in the literature in individuals affected with MYH11-related conditions.

Literature cited by the submitters: PubMed 25640679.

NC_000016.9:g.(?_15838966)_(15850391_?)dup

Gene: MYH11 (myosin heavy chain 11; minus strand). Cytogenetic location: 16p13.11.
Variant type: Duplication.
Identifiers: ClinVar variation 2423555 (VCV002423555.4).